The following is an entry in ClinVar:

ClinVar aggregate classification (germline): Conflicting classifications of pathogenicity. Review status: criteria provided, conflicting classifications (1 of 4 stars). 3 submissions from 3 submitters: Uncertain significance (2); Likely benign (1). Last evaluated 2023-08-10.

Conditions:
Spastic paraplegia. Identifiers: MedGen C0037772, HP:0001258.
Inborn genetic diseases. Identifiers: MedGen C0950123, MeSH D030342.

Allele frequency attached by ClinVar (database versions not stated): gnomAD 0.00003; gnomAD exomes 0.00003; ExAC 0.00005; TOPMed 0.00006; ESP Exome Variant Server 0.00023.

Submissions (3):

Ambry Genetics
Classification: Likely benign for Inborn genetic diseases. Last evaluated: 2023-08-10. Review status: criteria provided, single submitter. Criteria: Ambry Variant Classification Scheme 2023. Collection method: clinical testing. Allele origin: germline.

Labcorp Genetics (formerly Invitae), Labcorp
Classification: Uncertain significance for Spastic paraplegia. Last evaluated: 2022-04-29. Review status: criteria provided, single submitter. Criteria: Invitae Variant Classification Sherloc (09022015). Collection method: clinical testing. Allele origin: germline.
Comment: In summary, the available evidence is currently insufficient to determine the role of this variant in disease. Therefore, it has been classified as a Variant of Uncertain Significance. This variant is present in population databases (rs201500782, gnomAD 0.01%). This variant has not been reported in the literature in individuals affected with FA2H-related conditions. ClinVar contains an entry for this variant (Variation ID: 860983). Advanced modeling of protein sequence and biophysical properties (such as structural, functional, and spatial information, amino acid conservation, physicochemical variation, residue mobility, and thermodynamic stability) performed at Invitae indicates that this missense variant is not expected to disrupt FA2H protein function. This sequence change replaces valine, which is neutral and non-polar, with methionine, which is neutral and non-polar, at codon 177 of the FA2H protein (p.Val177Met).

Blueprint Genetics
Classification: Uncertain significance. Last evaluated: 2022-03-09. Review status: criteria provided, single submitter. Criteria: ACMG Guidelines, 2015. Collection method: clinical testing. Allele origin: germline.

NM_024306.5(FA2H):c.529G>A (p.Val177Met)

Gene: FA2H (fatty acid 2-hydroxylase; minus strand). Cytogenetic location: 16q23.1.
Variant type: single nucleotide variant.
Coding change: c.529G>A on transcript NM_024306.5 (MANE Select); coding-DNA position 529, G replaced by A.
Protein change: p.Val177Met; replaces valine 177 with methionine.
Molecular consequence: missense variant.
Genome position (GRCh38, 1-based): chr16:74,726,309, C>T on the plus strand (G>A on the coding strand, the complement: FA2H is on the minus strand). VCF-style: chr16-74726309-C-T. GRCh37 (hg19) VCF-style: chr16-74760207-C-T.
Other names: short protein forms V177M.
Identifiers: ClinVar variation 860983 (VCV000860983.12), dbSNP rs201500782, ClinGen allele CA8170494.